The following is an entry in ClinVar:

ClinVar aggregate classification (germline): Likely benign. Review status: criteria provided, multiple submitters, no conflicts (2 of 4 stars). 2 submissions from 2 submitters: Likely benign (2). Last evaluated 2023-12-01.

Allele frequency attached by ClinVar (database versions not stated): ExAC 0.00001; gnomAD 0.00001; gnomAD exomes 0.00001; TOPMed 0.00003; ESP Exome Variant Server 0.00008.
gnomAD v4.1: 11 of 1,614,082 alleles (0.00068%); highest among the groups gnomAD compares: Middle Eastern, 0.016%; no homozygotes.

Submissions (2):

CeGaT Center for Human Genetics Tuebingen
Classification: Likely benign. Last evaluated: 2023-12-01. Review status: criteria provided, single submitter. Criteria: CeGaT Center For Human Genetics Tuebingen Variant Classification Criteria Version 2. Collection method: clinical testing. Allele origin: germline. Affected: yes. Observed: 1 variant allele.
Comment: PCDH12: BP4, BP7

Labcorp Genetics (formerly Invitae), Labcorp
Classification: Likely benign. Last evaluated: 2023-04-26. Review status: criteria provided, single submitter. Criteria: Invitae Variant Classification Sherloc (09022015). Collection method: clinical testing. Allele origin: germline.

NM_016580.4(PCDH12):c.3333G>A (p.Ser1111=)

Gene: PCDH12 (protocadherin 12; minus strand). Cytogenetic location: 5q31.3.
Variant type: single nucleotide variant.
Coding change: c.3333G>A on transcript NM_016580.4 (MANE Select); coding-DNA position 3333, G replaced by A.
Protein change: p.Ser1111=; no amino-acid change (serine 1111 retained).
Molecular consequence: synonymous variant.
Genome position (GRCh38, 1-based): chr5:141,945,603, C>T on the plus strand (G>A on the coding strand, the complement: PCDH12 is on the minus strand). VCF-style: chr5-141945603-C-T. GRCh37 (hg19) VCF-style: chr5-141325168-C-T.
Identifiers: ClinVar variation 2712000 (VCV002712000.25), dbSNP rs142028065, ClinGen allele CA3483991.